The following is an entry in ClinVar:

ClinVar aggregate classification (germline): Uncertain significance. Review status: criteria provided, multiple submitters, no conflicts (2 of 4 stars). 4 submissions from 4 submitters: Uncertain significance (4). Last evaluated 2026-01-12.

Conditions:
Autosomal recessive early-onset Parkinson disease 6 (PARK6). Also called: PINK1-Related Parkinson Disease; PARKINSON DISEASE 6, EARLY-ONSET; PARKINSON DISEASE 6, MODIFIER OF; PINK1 Type of Young-Onset Parkinson Disease. Identifiers: Orphanet 2828, MedGen C1853833, MONDO:0011613, OMIM 605909.

Allele frequency attached by ClinVar (database versions not stated): gnomAD exomes 0.00010 and 0.00007; ESP Exome Variant Server 0.00031; gnomAD 0.00008 and 0.00009; TOPMed 0.00008; ExAC 0.00009.
gnomAD v4.1: 106 of 1,612,046 alleles (0.0066%); highest among the groups gnomAD compares: Middle Eastern, 0.016%; no homozygotes.

Submissions (4):

Labcorp Genetics (formerly Invitae), Labcorp
Classification: Uncertain significance for Autosomal recessive early-onset Parkinson disease 6. Last evaluated: 2026-01-12. Review status: criteria provided, single submitter. Criteria: Invitae Variant Classification Sherloc (09022015). Collection method: clinical testing. Allele origin: germline.
Comment: This sequence change replaces leucine, which is neutral and non-polar, with valine, which is neutral and non-polar, at codon 249 of the PINK1 protein (p.Leu249Val). This variant is present in population databases (rs145650643, gnomAD 0.02%). This missense change has been observed in individual(s) with Parkinson disease (PMID: 28849312). ClinVar contains an entry for this variant (Variation ID: 806077). Invitae Evidence Modeling of protein sequence and biophysical properties (such as structural, functional, and spatial information, amino acid conservation, physicochemical variation, residue mobility, and thermodynamic stability) indicates that this missense variant is not expected to disrupt PINK1 protein function with a negative predictive value of 95%. In summary, the available evidence is currently insufficient to determine the role of this variant in disease. Therefore, it has been classified as a Variant of Uncertain Significance.

CeGaT Center for Human Genetics Tuebingen
Classification: Uncertain significance. Last evaluated: 2024-02-01. Review status: criteria provided, single submitter. Criteria: CeGaT Center For Human Genetics Tuebingen Variant Classification Criteria Version 2. Collection method: clinical testing. Allele origin: germline. Affected: yes. Observed: 2 variant alleles.
Comment: PINK1: PM2, PM3, BP4

GeneDx
Classification: Uncertain significance. Last evaluated: 2023-07-21. Review status: criteria provided, single submitter. Criteria: GeneDx Variant Classification Process June 2021. Collection method: clinical testing. Allele origin: germline. Affected: yes.
Comment: In silico analysis supports that this missense variant does not alter protein structure/function; Observed with a second variant in a patient with early-onset Parkinsonism with dystonia in published literature; however it is unknown if the variants are on the same allele (in cis) or on opposite alleles (in trans) (Zech et al., 2017; Zech et al., 2020); This variant is associated with the following publications: (PMID: 34893635, 33098801, 28849312, 35872528)

Fulgent Genetics
Classification: Uncertain significance for Autosomal recessive early-onset Parkinson disease 6. Last evaluated: 2022-03-14. Review status: criteria provided, single submitter. Criteria: ACMG Guidelines, 2015. Collection method: clinical testing. Allele origin: unknown.

Literature cited by the submitters: PubMed 28849312 (cited by Labcorp Genetics (formerly Invitae), Labcorp).

NM_032409.3(PINK1):c.745T>G (p.Leu249Val)

Gene: PINK1 (PTEN induced kinase 1; plus strand). Cytogenetic location: 1p36.12.
Variant type: single nucleotide variant.
Coding change: c.745T>G on transcript NM_032409.3 (MANE Select); coding-DNA position 745, T replaced by G.
Protein change: p.Leu249Val; replaces leucine 249 with valine.
Molecular consequence: missense variant.
Genome position (GRCh38, 1-based): chr1:20,639,961, T>G. VCF-style: chr1-20639961-T-G. GRCh37 (hg19) VCF-style: chr1-20966454-T-G.
Other names: short protein forms L249V.
Identifiers: ClinVar variation 806077 (VCV000806077.49), dbSNP rs145650643, ClinGen allele CA660516.